The following is an entry in ClinVar:

NM_001453.3(FOXC1):c.883C>T (p.Pro295Ser)

Gene: FOXC1 (forkhead box C1; plus strand). Cytogenetic location: 6p25.3.
Variant type: single nucleotide variant.
Coding change: c.883C>T on transcript NM_001453.3 (MANE Select); coding-DNA position 883, C replaced by T.
Protein change: p.Pro295Ser; replaces proline 295 with serine.
Molecular consequence: missense variant.
Genome position (GRCh38, 1-based): chr6:1,611,328, C>T. VCF-style: chr6-1611328-C-T. GRCh37 (hg19) VCF-style: chr6-1611563-C-T.
Other names: short protein forms P295S.
Identifiers: ClinVar variation 3360488 (VCV003360488.1).

ClinVar aggregate classification (germline): Uncertain significance (1 of 4 stars; one submission).

Submission:

GeneDx
Classification: Uncertain significance. Last evaluated: 2023-06-27. Review status: criteria provided, single submitter. Criteria: GeneDx Variant Classification Process June 2021. Collection method: clinical testing. Allele origin: germline. Affected: yes.
Comment: Not observed at significant frequency in large population cohorts (gnomAD); In silico analysis supports that this missense variant does not alter protein structure/function; Has not been previously published as pathogenic or benign to our knowledge